The following is an entry in ClinVar:

NM_020203.6(MEPE):c.616A>C (p.Ser206Arg)

Genes: MEPE (matrix extracellular phosphoglycoprotein; plus strand), MEPE-AS1 (MEPE and IBSP antisense RNA 1; minus strand). Cytogenetic location: 4q22.1.
Variant type: single nucleotide variant.
Coding change: c.616A>C on transcript NM_020203.6 (MANE Select); coding-DNA position 616, A replaced by C.
Protein change: p.Ser206Arg; replaces serine 206 with arginine.
Molecular consequence: missense variant.
Genome position (GRCh38, 1-based): chr4:87,845,484, A>C. VCF-style: chr4-87845484-A-C. GRCh37 (hg19) VCF-style: chr4-88766636-A-C.
Other names: c.616A>C, p.Ser206Arg (NM_001184694.3); c.277A>C, p.Ser93Arg (NM_001184695.4, NM_001184696.2, NM_001184697.2); c.709A>C, p.Ser237Arg (NM_001291183.2); short protein forms S206R, S237R, S93R.
Identifiers: ClinVar variation 4982516 (VCV004982516.1).

ClinVar aggregate classification (germline): Uncertain significance (1 of 4 stars; one submission).

Conditions:
MEPE-related disorder. Also called: MEPE-related condition.

gnomAD v4.1: 369 of 1,613,706 alleles (0.023%); highest among the groups gnomAD compares: Non-Finnish European, 0.029%; no homozygotes.

Submission:

PreventionGenetics, part of Exact Sciences
Classification: Uncertain significance for MEPE-related condition. Last evaluated: 2026-04-21. Review status: criteria provided, single submitter. Criteria: ACMG Guidelines, 2015. Collection method: clinical testing. Allele origin: germline.
Comment: The MEPE c.709A>C variant is predicted to result in the amino acid substitution p.Ser237Arg. To our knowledge, this variant has not been reported in the literature. This variant is reported in 0.022% of alleles in individuals of European (Non-Finnish) descent in gnomAD. At this time, the clinical significance of this variant is uncertain due to the absence of conclusive functional and genetic evidence.